The following is an entry in ClinVar:

ClinVar aggregate classification (germline): Uncertain significance. Review status: criteria provided, multiple submitters, no conflicts (2 of 4 stars). 2 submissions from 2 submitters: Uncertain significance (2). Last evaluated 2024-10-14.

Conditions:
Inborn genetic diseases. Identifiers: MedGen C0950123, MeSH D030342.

Submissions (2):

Ambry Genetics
Classification: Uncertain significance for Inborn genetic diseases. Last evaluated: 2024-10-14. Review status: criteria provided, single submitter. Criteria: Ambry Variant Classification Scheme 2023. Collection method: clinical testing. Allele origin: germline.
Comment: The p.F1091V variant (also known as c.3271T>G), located in coding exon 16 of the ATR gene, results from a T to G substitution at nucleotide position 3271. The phenylalanine at codon 1091 is replaced by valine, an amino acid with highly similar properties. This amino acid position is conserved. In addition, this alteration is predicted to be tolerated by in silico analysis. Based on the available evidence, the clinical significance of this variant remains unclear.

Labcorp Genetics (formerly Invitae), Labcorp
Classification: Uncertain significance. Last evaluated: 2023-07-06. Review status: criteria provided, single submitter. Criteria: Invitae Variant Classification Sherloc (09022015). Collection method: clinical testing. Allele origin: germline.
Comment: This sequence change replaces phenylalanine, which is neutral and non-polar, with valine, which is neutral and non-polar, at codon 1091 of the ATR protein (p.Phe1091Val). In summary, the available evidence is currently insufficient to determine the role of this variant in disease. Therefore, it has been classified as a Variant of Uncertain Significance. An algorithm developed to predict the effect of missense changes on protein structure and function (PolyPhen-2) suggests that this variant is likely to be disruptive. This variant has not been reported in the literature in individuals affected with ATR-related conditions. This variant is not present in population databases (gnomAD no frequency).

NM_001184.4(ATR):c.3271T>G (p.Phe1091Val)

Gene: ATR (ATR checkpoint kinase; minus strand). Cytogenetic location: 3q23.
Variant type: single nucleotide variant.
Coding change: c.3271T>G on transcript NM_001184.4 (MANE Select); coding-DNA position 3271, T replaced by G.
Protein change: p.Phe1091Val; replaces phenylalanine 1091 with valine.
Molecular consequence: missense variant.
Genome position (GRCh38, 1-based): chr3:142,547,811, A>C on the plus strand (T>G on the coding strand, the complement: ATR is on the minus strand). VCF-style: chr3-142547811-A-C. GRCh37 (hg19) VCF-style: chr3-142266653-A-C.
Other names: c.3079T>G, p.Phe1027Val (NM_001354579.2); c.3271T>G (NM_001184.3); short protein forms F1027V, F1091V.
Identifiers: ClinVar variation 2719121 (VCV002719121.4), dbSNP rs2108451252, ClinGen allele CA354810649.